The following is an entry in ClinVar:

ClinVar aggregate classification (germline): Uncertain significance. Review status: criteria provided, multiple submitters, no conflicts (2 of 4 stars). 3 submissions from 3 submitters: Uncertain significance (2). 1 of the submissions does not count toward it. Last evaluated 2025-11-06.

Conditions:
Inborn genetic diseases. Identifiers: MedGen C0950123, MeSH D030342.

Allele frequency attached by ClinVar (database versions not stated): gnomAD exomes 0.00001; TOPMed 0.00001; ExAC 0.00001; gnomAD 0.00001.
gnomAD v4.1: 11 of 1,613,984 alleles (0.00068%); highest among the groups gnomAD compares: African/African-American, 0.0013%; no homozygotes.

Submissions (3):

Ambry Genetics
Classification: Uncertain significance for Inborn genetic diseases. Last evaluated: 2025-11-06. Review status: criteria provided, single submitter. Criteria: Ambry Variant Classification Scheme 2023. Collection method: clinical testing. Allele origin: germline.

GeneDx
Classification: Uncertain significance. Last evaluated: 2023-01-19. Review status: criteria provided, single submitter. Criteria: GeneDx Variant Classification Process June 2021. Collection method: clinical testing. Allele origin: germline. Affected: yes.
Comment: Not observed at significant frequency in large population cohorts (gnomAD); In silico analysis supports that this missense variant has a deleterious effect on protein structure/function; Has not been previously published as pathogenic or benign to our knowledge

Department of Pathology and Laboratory Medicine, Sinai Health System
Classification: Uncertain significance. Review status: no assertion criteria provided. Collection method: clinical testing. Allele origin: unknown. Affected: yes. Study: The Canadian Open Genetics Repository (COGR). Not counted in ClinVar's aggregate classification.
Comment: The WDFY3 p.Trp3052Ser variant was not identified in the literature nor was it identified in the ClinVar, Cosmic, MutDB or LOVD 3.0 databases. The variant was identified in dbSNP (ID: rs760075096) and in control databases in 2 of 251426 chromosomes at a frequency of 0.000008 (Genome Aggregation Database Feb 27, 2017). The variant was observed in the following population: European (non-Finnish) in 2 of 113710 chromosomes (freq: 0.000018), but was not observed in the African, Latino, Ashkenazi Jewish, East Asian, European (Finnish), Other or South Asian populations. The p.Trp3052 residue is highly conserved across mammals and other organisms, and 5 of 5 computational analyses (PolyPhen-2, SIFT, AlignGVGD, BLOSUM, MutationTaster) suggest that the variant may impact the protein; however, this information is not predictive enough to assume pathogenicity. In summary, based on the above information the clinical significance of this variant cannot be determined with certainty at this time. This variant is classified as a variant of uncertain significance.

NM_014991.6(WDFY3):c.9155G>C (p.Trp3052Ser)

Genes: WDFY3 (WD repeat and FYVE domain containing 3; minus strand), LOC126807101 (CDK7 strongly-dependent group 2 enhancer GRCh37_chr4:85612241-85613440; plus strand). Cytogenetic location: 4q21.23.
Variant type: single nucleotide variant.
Coding change: c.9155G>C on transcript NM_014991.6 (MANE Select); coding-DNA position 9155, G replaced by C.
Protein change: p.Trp3052Ser; replaces tryptophan 3052 with serine.
Molecular consequence: missense variant.
Genome position (GRCh38, 1-based): chr4:84,691,680, C>G on the plus strand (G>C on the coding strand, the complement: WDFY3 is on the minus strand). VCF-style: chr4-84691680-C-G. GRCh37 (hg19) VCF-style: chr4-85612833-C-G.
Other names: c.9155G>C (NM_014991.4); short protein forms W3052S.
Identifiers: ClinVar variation 1049124 (VCV001049124.3), dbSNP rs760075096, ClinGen allele CA2992245.